The following is an entry in ClinVar:

NM_004446.3(EPRS1):c.1371G>T (p.Thr457=)

Gene: EPRS1 (glutamyl-prolyl-tRNA synthetase 1; minus strand). Cytogenetic location: 1q41.
Variant type: single nucleotide variant.
Coding change: c.1371G>T on transcript NM_004446.3 (MANE Select); coding-DNA position 1371, G replaced by T.
Protein change: p.Thr457=; no amino-acid change (threonine 457 retained).
Molecular consequence: synonymous variant.
Genome position (GRCh38, 1-based): chr1:220,019,058, C>A on the plus strand (G>T on the coding strand, the complement: EPRS1 is on the minus strand). VCF-style: chr1-220019058-C-A. GRCh37 (hg19) VCF-style: chr1-220192400-C-A.
Identifiers: ClinVar variation 1991928 (VCV001991928.11), dbSNP rs150313206, ClinGen allele CA1400318.

ClinVar aggregate classification (germline): Likely benign. Review status: criteria provided, multiple submitters, no conflicts (2 of 4 stars). 2 submissions from 2 submitters: Likely benign (2). Last evaluated 2025-12-13.

Allele frequency attached by ClinVar (database versions not stated): TOPMed 0.00002.
gnomAD v4.1: 25 of 1,612,752 alleles (0.0016%); highest among the groups gnomAD compares: Admixed American, 0.04%; no homozygotes.

Submissions (2):

Labcorp Genetics (formerly Invitae), Labcorp
Classification: Likely benign. Last evaluated: 2025-12-13. Review status: criteria provided, single submitter. Criteria: Invitae Variant Classification Sherloc (09022015). Collection method: clinical testing. Allele origin: germline.

CeGaT Center for Human Genetics Tuebingen
Classification: Likely benign. Last evaluated: 2025-09-01. Review status: criteria provided, single submitter. Criteria: CeGaT Center For Human Genetics Tuebingen Variant Classification Criteria Version 2. Collection method: clinical testing. Allele origin: germline. Affected: yes. Observed: 1 variant allele.
Comment: EPRS1: BP4, BP7